The following is an entry in ClinVar:

ClinVar aggregate classification (germline): Likely benign. Review status: criteria provided, single submitter (1 of 4 stars). 2 submissions from 2 submitters: Likely benign (1). 1 of the submissions does not count toward it. Last evaluated 2023-05-13.

Conditions:
NTRK2-related disorder. Also called: NTRK2-related condition.

Allele frequency attached by ClinVar (database versions not stated): gnomAD 0.00001; TOPMed 0.00001; gnomAD exomes 0.00002; ExAC 0.00004; ESP Exome Variant Server 0.00015.
gnomAD v4.1: 35 of 1,613,856 alleles (0.0022%); highest among the groups gnomAD compares: Non-Finnish European, 0.0027%; no homozygotes.

Submissions (2):

Labcorp Genetics (formerly Invitae), Labcorp
Classification: Likely benign. Last evaluated: 2023-05-13. Review status: criteria provided, single submitter. Criteria: Invitae Variant Classification Sherloc (09022015). Collection method: clinical testing. Allele origin: germline.

PreventionGenetics, part of Exact Sciences
Classification: Likely benign for NTRK2-related condition. Last evaluated: 2024-08-24. Review status: no assertion criteria provided. Collection method: clinical testing. Allele origin: germline. Not counted in ClinVar's aggregate classification.
Comment: This variant is classified as likely benign based on ACMG/AMP sequence variant interpretation guidelines (Richards et al. 2015 PMID: 25741868, with internal and published modifications).

NM_006180.6(NTRK2):c.1765-9C>T

Gene: NTRK2 (neurotrophic receptor tyrosine kinase 2; plus strand). Cytogenetic location: 9q21.33.
Variant type: single nucleotide variant.
Coding change: c.1765-9C>T on transcript NM_006180.6 (MANE Select); 9 bases into the intron before coding-DNA position 1765, C replaced by T.
Molecular consequence: intron variant.
Genome position (GRCh38, 1-based): chr9:84,948,453, C>T. VCF-style: chr9-84948453-C-T. GRCh37 (hg19) VCF-style: chr9-87563368-C-T.
Other names: c.1717-9C>T (NM_001369532.1, NM_001369533.1, NM_001018064.3); c.1681-9C>T (NM_001369534.1); c.1297-9C>T (NM_001369536.1); c.1249-9C>T (NM_001369535.1); c.1765-9C>T (NM_006180.4).
Identifiers: ClinVar variation 1659218 (VCV001659218.9), dbSNP rs200519922, ClinGen allele CA5105843.